The following is an entry in ClinVar:

ClinVar aggregate classification (germline): Uncertain significance (1 of 4 stars; one submission).

Allele frequency attached by ClinVar (database versions not stated): gnomAD exomes below 0.00001.
gnomAD v4.1: 4 of 1,613,532 alleles (0.00025%); highest among the groups gnomAD compares: Non-Finnish European, 0.00017%; no homozygotes.

Submission:

Labcorp Genetics (formerly Invitae), Labcorp
Classification: Uncertain significance. Last evaluated: 2022-02-24. Review status: criteria provided, single submitter. Criteria: Invitae Variant Classification Sherloc (09022015). Collection method: clinical testing. Allele origin: germline.
Comment: In summary, the available evidence is currently insufficient to determine the role of this variant in disease. Therefore, it has been classified as a Variant of Uncertain Significance. Algorithms developed to predict the effect of missense changes on protein structure and function (SIFT, PolyPhen-2, Align-GVGD) all suggest that this variant is likely to be tolerated. This variant has not been reported in the literature in individuals affected with AHR-related conditions. This variant is not present in population databases (gnomAD no frequency). This sequence change replaces threonine, which is neutral and polar, with arginine, which is basic and polar, at codon 825 of the AHR protein (p.Thr825Arg).

NM_001621.5(AHR):c.2474C>G (p.Thr825Arg)

Gene: AHR (aryl hydrocarbon receptor; plus strand). Cytogenetic location: 7p21.1.
Variant type: single nucleotide variant.
Coding change: c.2474C>G on transcript NM_001621.5 (MANE Select); coding-DNA position 2474, C replaced by G.
Protein change: p.Thr825Arg; replaces threonine 825 with arginine.
Molecular consequence: missense variant.
Genome position (GRCh38, 1-based): chr7:17,342,991, C>G. VCF-style: chr7-17342991-C-G. GRCh37 (hg19) VCF-style: chr7-17382615-C-G.
Other names: short protein forms T825R.
Identifiers: ClinVar variation 2040200 (VCV002040200.4), dbSNP rs1310428765, ClinGen allele CA366897449.